The following is an entry in ClinVar:

ClinVar aggregate classification (germline): Uncertain significance (1 of 4 stars; one submission).

Submission:

Labcorp Genetics (formerly Invitae), Labcorp
Classification: Uncertain significance. Last evaluated: 2023-08-17. Review status: criteria provided, single submitter. Criteria: Invitae Variant Classification Sherloc (09022015). Collection method: clinical testing. Allele origin: germline.
Comment: In summary, the available evidence is currently insufficient to determine the role of this variant in disease. Therefore, it has been classified as a Variant of Uncertain Significance. ClinVar contains an entry for this variant (Variation ID: 2006974). Algorithms developed to predict the effect of sequence changes on RNA splicing suggest that this variant may disrupt the consensus splice site. This variant has not been reported in the literature in individuals affected with PHYH-related conditions. This sequence change falls in intron 5 of the PHYH gene. It does not directly change the encoded amino acid sequence of the PHYH protein. This variant is not present in population databases (gnomAD no frequency).

NM_006214.4(PHYH):c.496+8T>C

Gene: PHYH (phytanoyl-CoA 2-hydroxylase; minus strand). Cytogenetic location: 10p13.
Variant type: single nucleotide variant.
Coding change: c.496+8T>C on transcript NM_006214.4 (MANE Select); 8 bases into the intron after coding-DNA position 496, T replaced by C.
Molecular consequence: intron variant. On other transcripts: splice donor variant (2).
Genome position (GRCh38, 1-based): chr10:13,291,823, A>G on the plus strand (T>C on the coding strand, the complement: PHYH is on the minus strand). VCF-style: chr10-13291823-A-G. GRCh37 (hg19) VCF-style: chr10-13333823-A-G.
Other names: c.414+2605T>C (NM_001323083.2); c.502+2T>C (NM_001323082.2); c.196+8T>C (NM_001037537.2, NM_001323080.2); c.202+2T>C (NM_001323084.2).
Identifiers: ClinVar variation 2006974 (VCV002006974.4), dbSNP rs2538650584, ClinGen allele CA376036106.
Genomic context (GRCh38, chr10:13,291,823, plus strand): 5'-GTTACTGCACCCAGCCAACCTTACACATTTTAATGAAACCATTTTTTTTTCTTCTCCCTT[A>G]CAATTACCAGAATCTGGAGGTTTGTTTATCAACATTGTGTGCATGGCCATAATATTAGGT-3'